The following is an entry in ClinVar:

NM_001130144.3(LTBP3):c.1889G>A (p.Gly630Asp)

Gene: LTBP3 (latent transforming growth factor beta binding protein 3; minus strand). Cytogenetic location: 11q13.1.
Variant type: single nucleotide variant.
Coding change: c.1889G>A on transcript NM_001130144.3 (MANE Select); coding-DNA position 1889, G replaced by A.
Protein change: p.Gly630Asp; replaces glycine 630 with aspartic acid.
Molecular consequence: missense variant.
Genome position (GRCh38, 1-based): chr11:65,547,779, C>T on the plus strand (G>A on the coding strand, the complement: LTBP3 is on the minus strand). VCF-style: chr11-65547779-C-T. GRCh37 (hg19) VCF-style: chr11-65315250-C-T.
Other names: c.1538G>A, p.Gly513Asp (NM_001164266.1); c.1889G>A, p.Gly630Asp (NM_021070.4); short protein forms G513D, G630D.
Identifiers: ClinVar variation 4717684 (VCV004717684.1).

ClinVar aggregate classification (germline): Uncertain significance (1 of 4 stars; one submission).

Conditions:
Brachyolmia-amelogenesis imperfecta syndrome. Also called: PLATYSPONDYLY WITH AMELOGENESIS IMPERFECTA; Tooth agenesis, selective, 6; Dental anomalies and short stature. Identifiers: Orphanet 2899, MedGen C1832594, MONDO:0011018, OMIM 601216. Disease mechanism: loss of function.

gnomAD v4.1: 6 of 1,612,486 alleles (0.00037%); highest among the groups gnomAD compares: African/African-American, 0.0013%; no homozygotes.

Submission:

Labcorp Genetics (formerly Invitae), Labcorp
Classification: Uncertain significance for Brachyolmia-amelogenesis imperfecta syndrome. Last evaluated: 2025-04-17. Review status: criteria provided, single submitter. Criteria: Invitae Variant Classification Sherloc (09022015). Collection method: clinical testing. Allele origin: germline.
Comment: This sequence change replaces glycine, which is neutral and non-polar, with aspartic acid, which is acidic and polar, at codon 630 of the LTBP3 protein (p.Gly630Asp). The frequency data for this variant in the population databases is considered unreliable, as metrics indicate poor data quality at this position in the gnomAD database. This variant has not been reported in the literature in individuals affected with LTBP3-related conditions. An algorithm developed to predict the effect of missense changes on protein structure and function (PolyPhen-2) suggests that this variant is likely to be tolerated. In summary, the available evidence is currently insufficient to determine the role of this variant in disease. Therefore, it has been classified as a Variant of Uncertain Significance.